The following is an entry in ClinVar:

NM_000426.4(LAMA2):c.4888G>T (p.Glu1630Ter)

Gene: LAMA2 (laminin subunit alpha 2; plus strand). Cytogenetic location: 6q22.33.
Variant type: single nucleotide variant.
Coding change: c.4888G>T on transcript NM_000426.4 (MANE Select); coding-DNA position 4888, G replaced by T.
Protein change: p.Glu1630Ter; replaces glutamic acid 1630 with a stop codon.
Molecular consequence: nonsense.
Genome position (GRCh38, 1-based): chr6:129,369,919, G>T. VCF-style: chr6-129369919-G-T. GRCh37 (hg19) VCF-style: chr6-129691064-G-T.
Other names: c.4888G>T, p.Glu1630Ter (NM_001079823.2); short protein forms E1630*.
Identifiers: ClinVar variation 5014834 (VCV005014834.1).

ClinVar aggregate classification (germline): Pathogenic (1 of 4 stars; one submission).

Conditions:
LAMA2-related muscular dystrophy (LAMA2-RD). Also called: Laminin alpha 2-related dystrophy. Identifiers: MedGen C5679788, MONDO:0100228.

Submission:

Myriad Genetics, Inc.
Classification: Pathogenic for LAMA2-related muscular dystrophy. Last evaluated: 2025-08-06. Review status: criteria provided, single submitter. Criteria: Myriad Autosomal Dominant, Autosomal Recessive and X-Linked Classification Criteria (2023). Collection method: clinical testing. Allele origin: unknown.
Comment: NM_000426.3(LAMA2):c.4888G>T(E1630*) is expected to be pathogenic in the context of muscular dystrophy, LAMA2-related. This variant is predicted to lead to an abnormal or absent protein product due to the creation of a premature termination codon in LAMA2, a gene where loss-of-function variants are known to be pathogenic. Please note: this variant was assessed in the context of healthy population screening.